The following is an entry in ClinVar:

ClinVar aggregate classification (germline): Uncertain significance (1 of 4 stars; one submission).

Conditions:
Shprintzen-Goldberg syndrome (SGS). Also called: Marfanoid disorder with craniosynostosis type 1; Marfanoid craniosynostosis syndrome; Shprintzen-Goldberg marfanoid syndrome; SHPRINTZEN-GOLDBERG CRANIOSYNOSTOSIS SYNDROME; CRANIOSYNOSTOSIS WITH ARACHNODACTYLY AND ABDOMINAL HERNIAS. Identifiers: Orphanet 2462, MedGen C1321551, MONDO:0008426, OMIM 182212.

Submission:

Labcorp Genetics (formerly Invitae), Labcorp
Classification: Uncertain significance for Shprintzen-Goldberg syndrome. Last evaluated: 2025-06-09. Review status: criteria provided, single submitter. Criteria: Invitae Variant Classification Sherloc (09022015). Collection method: clinical testing. Allele origin: germline.
Comment: This sequence change replaces glycine, which is neutral and non-polar, with valine, which is neutral and non-polar, at codon 192 of the SKI protein (p.Gly192Val). This variant is not present in population databases (gnomAD no frequency). This variant has not been reported in the literature in individuals affected with SKI-related conditions. Invitae Evidence Modeling of protein sequence and biophysical properties (such as structural, functional, and spatial information, amino acid conservation, physicochemical variation, residue mobility, and thermodynamic stability) indicates that this missense variant is expected to disrupt SKI protein function with a positive predictive value of 95%. In summary, the available evidence is currently insufficient to determine the role of this variant in disease. Therefore, it has been classified as a Variant of Uncertain Significance.

NM_003036.4(SKI):c.575G>T (p.Gly192Val)

Gene: SKI (SKI proto-oncogene; plus strand). Cytogenetic location: 1p36.33.
Variant type: single nucleotide variant.
Coding change: c.575G>T on transcript NM_003036.4 (MANE Select); coding-DNA position 575, G replaced by T.
Protein change: p.Gly192Val; replaces glycine 192 with valine.
Molecular consequence: missense variant.
Genome position (GRCh38, 1-based): chr1:2,229,341, G>T. VCF-style: chr1-2229341-G-T. GRCh37 (hg19) VCF-style: chr1-2160780-G-T.
Other names: short protein forms G192V.
Identifiers: ClinVar variation 4803552 (VCV004803552.1).